The following is an entry in ClinVar:

NM_005343.4(HRAS):c.175_176delinsCT (p.Ala59Leu)

Genes: HRAS (HRas proto-oncogene, GTPase; minus strand), LRRC56 (leucine rich repeat containing 56; plus strand). Cytogenetic location: 11p15.5.
Variant type: Indel.
Coding change: c.175_176delinsCT on transcript NM_005343.4 (MANE Select); coding-DNA positions 175 to 176, GC replaced by CT.
Protein change: p.Ala59Leu; replaces alanine 59 with leucine.
Molecular consequence: missense variant. On other transcripts: 5 prime UTR variant (1).
Genome position (GRCh38, 1-based): chr11:533,880-533,881, GC replaced by AG on the plus strand (GC replaced by CT on the coding strand, the reverse complement: HRAS is on the minus strand). VCF-style: chr11-533880-GC-AG. GRCh37 (hg19) VCF-style: chr11-533880-GC-AG.
Other names: c.175_176delinsCT, p.Ala59Leu (NM_001130442.3, NM_176795.5); c.-145_-144delinsCT (NM_001318054.2); short protein forms A59L.
Identifiers: ClinVar variation 179260 (VCV000179260.4), dbSNP rs727504747, ClinGen allele CA273607.
Genomic context (GRCh38, chr11:533,880, plus strand): 5'-AGGAAGCCCTCCCCGGTGCGCATGTACTGGTCCCGCATGGCGCTGTACTCCTCCTGGCCG[GC>AG]GGTATCCAGGATGTCCAACAGGCACGTCTCCCCATCAATGACCACCTGCTTCCGGTAGGA-3'
Protein context (NP_005334.1, residues 49-69): ETCLLDILDT[Ala59Leu]GQEEYSAMRD

ClinVar aggregate classification (germline): Likely pathogenic (1 of 4 stars; one submission).

Conditions:
Costello syndrome (CSTLO). Also called: HRAS-Related Costello Syndrome; FACIOCUTANEOSKELETAL SYNDROME; FCS SYNDROME. Identifiers: Orphanet 3071, MedGen C0587248, MONDO:0009026, OMIM 218040.

Submission:

Laboratory for Molecular Medicine, Mass General Brigham Personalized Medicine
Classification: Likely pathogenic for Costello syndrome. Last evaluated: 2014-08-14. Review status: criteria provided, single submitter. Criteria: LMM Criteria. Collection method: clinical testing. Allele origin: germline. Inheritance: Autosomal dominant inheritance. Observed: 1 variant allele.
Comment: This variant has not been previously reported in the liter ature or identified in large population studies. However, an alanine to threonin e change at the same codon in the HRAS gene has been found to segregate in three individuals within one family, all of whom reportedly have clinical features of the Noonan spectrum (LMM unpublished data). In addition, the alanine amino acid is highly conserved across evolutionarily-distinct species, and computational a nalyses (biochemical amino acid properties, AlignGVGD, PolyPhen2, and SIFT) sugg est that this variant may impact the normal function of the protein. In summary, this variant is likely pathogenic, though additional studies are required to fu lly establish its clinical significance.